The following is an entry in ClinVar:

NC_000010.10:g.(?_81915609)_(81921804_?)del

Gene: ANXA11 (annexin A11; minus strand). Cytogenetic location: 10q22.3.
Variant type: Deletion.
Identifiers: ClinVar variation 2423890 (VCV002423890.4).

ClinVar aggregate classification (germline): Uncertain significance (1 of 4 stars; one submission).

Submission:

Labcorp Genetics (formerly Invitae), Labcorp
Classification: Uncertain significance. Last evaluated: 2022-05-21. Review status: criteria provided, single submitter. Criteria: Invitae Variant Classification Sherloc (09022015). Collection method: clinical testing. Allele origin: germline.
Comment: In summary, the available evidence is currently insufficient to determine the role of this variant in disease. Therefore, it has been classified as a Variant of Uncertain Significance. This variant has not been reported in the literature in individuals affected with ANXA11-related conditions. This variant is a gross deletion of the genomic region encompassing exon(s) 11-15 of the ANXA11 gene, which includes the termination codon. This deletion extends beyond the assayed region for this gene and therefore may encompass additional genes. While this deletion is not anticipated to lead to nonsense mediated decay, it is expected to alter mRNA translation or result in a truncated protein product.